The following is an entry in ClinVar:

ClinVar aggregate classification (germline): Uncertain significance. Review status: criteria provided, multiple submitters, no conflicts (2 of 4 stars). 4 submissions from 3 submitters: Uncertain significance (4). Last evaluated 2024-10-03.

Conditions:
Cardiovascular phenotype. Identifiers: MedGen CN230736.
Hereditary cancer-predisposing syndrome. Also called: Hereditary Cancer Syndrome; Neoplastic Syndromes, Hereditary; Tumor predisposition; Hereditary neoplastic syndrome. Identifiers: Orphanet 140162, MedGen C0027672, MeSH D009386, MONDO:0015356.
Neurofibromatosis, type 1 (NF1). Also called: Neurofibromatosis, type I; VON RECKLINGHAUSEN DISEASE; NEUROFIBROMATOSIS, TYPE I, SOMATIC; Peripheral type neurofibromatosis. Identifiers: Orphanet 636, MedGen C0027831, MONDO:0018975, OMIM 162200. Disease mechanism: loss of function.

Allele frequency attached by ClinVar (database versions not stated): gnomAD exomes below 0.00001 and 0.00001; ExAC 0.00002; TOPMed 0.00002.
gnomAD v4.1: 4 of 1,614,080 alleles (0.00025%); highest among the groups gnomAD compares: South Asian, 0.0011%; no homozygotes.

Submissions (4):

Labcorp Genetics (formerly Invitae), Labcorp
Classification: Uncertain significance for Neurofibromatosis, type 1. Last evaluated: 2024-10-03. Review status: criteria provided, single submitter. Criteria: Invitae Variant Classification Sherloc (09022015). Collection method: clinical testing. Allele origin: germline.
Comment: This sequence change replaces serine, which is neutral and polar, with proline, which is neutral and non-polar, at codon 1476 of the NF1 protein (p.Ser1476Pro). This variant is present in population databases (rs763266925, gnomAD 0.003%). This variant has not been reported in the literature in individuals affected with NF1-related conditions. ClinVar contains an entry for this variant (Variation ID: 230418). Invitae Evidence Modeling of protein sequence and biophysical properties (such as structural, functional, and spatial information, amino acid conservation, physicochemical variation, residue mobility, and thermodynamic stability) indicates that this missense variant is expected to disrupt NF1 protein function with a positive predictive value of 95%. In summary, the available evidence is currently insufficient to determine the role of this variant in disease. Therefore, it has been classified as a Variant of Uncertain Significance.

Ambry Genetics
Classification: Uncertain significance for Cardiovascular phenotype; Hereditary cancer-predisposing syndrome. Last evaluated: 2022-05-04. Review status: criteria provided, single submitter. Criteria: Ambry Variant Classification Scheme 2023. Collection method: clinical testing. Allele origin: germline.

Genome-Nilou Lab
Classification: Uncertain significance for Neurofibromatosis, type 1. Last evaluated: 2022-03-15. Review status: criteria provided, single submitter. Criteria: ACMG Guidelines, 2015. Collection method: clinical testing. Allele origin: germline. Affected: no.

Ambry Genetics
Classification: Uncertain significance for Hereditary cancer-predisposing syndrome. Last evaluated: 2015-02-16. Review status: criteria provided, single submitter. Criteria: Ambry Autosomal Dominant and X-Linked criteria (10/2015). Collection method: clinical testing. Allele origin: germline. Observed: 1 variant allele.
Comment: The p.S1497P variant (also known as c.4489T>C), located in coding exon 34 of the NF1 gene, results from a T to C substitution at nucleotide position 4489. The serine at codon 1497 is replaced by proline, an amino acid with similar properties. This variant was not reported in population based cohorts in the following databases: Database of Single Nucleotide Polymorphisms (dbSNP), NHLBI Exome Sequencing Project (ESP), and 1000 Genomes Project. In the ESP, this variant was not observed in 6503 samples (13006 alleles) with coverage at this position. To date, this alteration has been detected with an allele frequency of approximately 0.003% (greater than 30000 alleles tested) in our clinical cohort. This amino acid position is highly conserved in available vertebrate species. In addition, this alteration is predicted to be benign and deleterious by PolyPhen and SIFT in silico analyses, respectively. Since supporting evidence is limited at this time, the clinical significance of p.S1497P remains unclear.

NM_001042492.3(NF1):c.4489T>C (p.Ser1497Pro)

Gene: NF1 (neurofibromin 1; plus strand). Cytogenetic location: 17q11.2.
Variant type: single nucleotide variant.
Coding change: c.4489T>C on transcript NM_001042492.3 (MANE Select); coding-DNA position 4489, T replaced by C.
Protein change: p.Ser1497Pro; replaces serine 1497 with proline.
Molecular consequence: missense variant.
Genome position (GRCh38, 1-based): chr17:31,260,427, T>C. VCF-style: chr17-31260427-T-C. GRCh37 (hg19) VCF-style: chr17-29587445-T-C.
Other names: c.4426T>C, p.Ser1476Pro (NM_000267.4); short protein forms S1476P, S1497P.
Identifiers: ClinVar variation 230418 (VCV000230418.10), dbSNP rs763266925, ClinGen allele CA8486430.